The following is an entry in ClinVar:

ClinVar aggregate classification (germline): Uncertain significance. Review status: criteria provided, multiple submitters, no conflicts (2 of 4 stars). 2 submissions from 2 submitters: Uncertain significance (2). Last evaluated 2024-07-17.

Conditions:
Glomerulopathy with fibronectin deposits 2 (GFND2). Identifiers: Orphanet 84090, MedGen C1866075, MONDO:0011165, OMIM 601894.
Spondylometaphyseal dysplasia - Sutcliffe type. Also called: Spondylometaphyseal dysplasia, 'corner fracture' type; Spondylometaphyseal Dysplasia, Corner Fracture Type; Sutcliffe type of spondylometaphyseal dysplasia; Sutcliffe SMD. Identifiers: Orphanet 93315, MedGen C0432221, MONDO:0008479, OMIM 184255.

gnomAD v4.1: 1 of 1,613,692 alleles (0.000062%); no homozygotes.

Submissions (2):

Labcorp Genetics (formerly Invitae), Labcorp
Classification: Uncertain significance. Last evaluated: 2024-07-17. Review status: criteria provided, single submitter. Criteria: Invitae Variant Classification Sherloc (09022015). Collection method: clinical testing. Allele origin: germline.
Comment: This sequence change replaces alanine, which is neutral and non-polar, with glutamic acid, which is acidic and polar, at codon 1550 of the FN1 protein (p.Ala1550Glu). This variant is not present in population databases (gnomAD no frequency). This variant has not been reported in the literature in individuals affected with FN1-related conditions. ClinVar contains an entry for this variant (Variation ID: 1364561). An algorithm developed to predict the effect of missense changes on protein structure and function (PolyPhen-2) suggests that this variant is likely to be tolerated. In summary, the available evidence is currently insufficient to determine the role of this variant in disease. Therefore, it has been classified as a Variant of Uncertain Significance.

Fulgent Genetics
Classification: Uncertain significance for Spondylometaphyseal dysplasia - Sutcliffe type; Glomerulopathy with fibronectin deposits 2. Last evaluated: 2022-03-21. Review status: criteria provided, single submitter. Criteria: ACMG Guidelines, 2015. Collection method: clinical testing. Allele origin: unknown.

NM_212482.4(FN1):c.4649C>A (p.Ala1550Glu)

Gene: FN1 (fibronectin 1; minus strand). Cytogenetic location: 2q35.
Variant type: single nucleotide variant.
Coding change: c.4649C>A on transcript NM_212482.4 (MANE Select); coding-DNA position 4649, C replaced by A.
Protein change: p.Ala1550Glu; replaces alanine 1550 with glutamic acid.
Molecular consequence: missense variant.
Genome position (GRCh38, 1-based): chr2:215,384,940, G>T on the plus strand (C>A on the coding strand, the complement: FN1 is on the minus strand). VCF-style: chr2-215384940-G-T. GRCh37 (hg19) VCF-style: chr2-216249663-G-T.
Other names: c.4649C>A, p.Ala1550Glu (NM_001306129.2, NM_001306130.2, NM_001365517.2 and 3 more transcripts); c.4376C>A, p.Ala1459Glu (NM_001306131.2, NM_001306132.2, NM_001365518.2 and 7 more transcripts); short protein forms A1459E, A1550E.
Identifiers: ClinVar variation 1364561 (VCV001364561.7), dbSNP rs202245868, ClinGen allele CA350479813.
Genomic context (GRCh38, chr2:215,384,940, plus strand): 5'-CTGTAATATCTCACTGTGACAGCAGGAGCATCCCAGCTGATCAGTAGGCTGGTGGGGGTC[G>T]CAGCAACAACTTCCAGGTCCCTCGGAACATCAGAAACTAGAAAAAAAAGGGAAACTTTTC-3'
Protein context (NP_997647.2, residues 1540-1560): DVPRDLEVVA[Ala1550Glu]TPTSLLISWD